The following is an entry in ClinVar:

ClinVar aggregate classification (germline): Benign/Likely benign. Review status: criteria provided, multiple submitters, no conflicts (2 of 4 stars). 18 submissions from 16 submitters: Benign (11); Likely benign (1). 6 of the submissions do not count toward it. Last evaluated 2026-02-04.

Conditions:
Cardiovascular phenotype. Identifiers: MedGen CN230736.
Cardiomyopathy, familial restrictive, 3. Identifiers: Orphanet 75249, MedGen C2676271, MONDO:0012900, OMIM 612422.
Hypertrophic cardiomyopathy 2. Also called: TNNT2-Related Familial Hypertrophic Cardiomyopathy. Identifiers: MedGen C1861864, MONDO:0007266, OMIM 115195.
Dilated cardiomyopathy 1D. Identifiers: Orphanet 154, Orphanet 54260, MedGen C1832243, MONDO:0011095, OMIM 601494.
Primary familial hypertrophic cardiomyopathy (HCM). Identifiers: Orphanet 99739, MedGen C0949658, MeSH D024741, MONDO:0024573. Inheritance: Various modes of inheritance.
Hypertrophic cardiomyopathy. Also called: HYPERTROPHIC MYOCARDIOPATHY. Identifiers: Orphanet 217569, MedGen C0007194, MeSH D002312, MONDO:0005045, HP:0001639.

Allele frequency attached by ClinVar (database versions not stated): gnomAD exomes 0.00096 and 0.00242; ExAC 0.00317; gnomAD 0.00985 and 0.01066; 1000 Genomes Project 0.00998; 1000 Genomes Project 30x 0.01062; ESP Exome Variant Server 0.01076; TOPMed 0.01125.
gnomAD v4.1: 2,986 of 1,613,882 alleles (0.19%); highest among the groups gnomAD compares: African/African-American, 3.3%; 39 homozygotes.

Submissions (18):

Labcorp Genetics (formerly Invitae), Labcorp
Classification: Benign for Cardiomyopathy, familial restrictive, 3; Hypertrophic cardiomyopathy 2; Dilated cardiomyopathy 1D. Last evaluated: 2026-02-04. Review status: criteria provided, single submitter. Criteria: Invitae Variant Classification Sherloc (09022015). Collection method: clinical testing. Allele origin: germline.

ARUP Laboratories, Molecular Genetics and Genomics, ARUP Laboratories
Classification: Benign. Last evaluated: 2025-05-15. Review status: criteria provided, single submitter. Criteria: ARUP Molecular Germline Variant Investigation Process 2024. Collection method: clinical testing. Allele origin: germline.

Blueprint Genetics
Classification: Likely benign. Last evaluated: 2024-11-23. Review status: criteria provided, single submitter. Criteria: ACMG Guidelines, 2015. Collection method: clinical testing. Allele origin: germline.

Mayo Clinic Laboratories, Mayo Clinic
Classification: Benign. Last evaluated: 2023-08-29. Review status: criteria provided, single submitter. Criteria: ACMG Guidelines, 2015. Collection method: clinical testing. Allele origin: germline. Observed: 18 variant alleles.
Comment: BA1

Genome-Nilou Lab
Classification: Benign for Dilated cardiomyopathy 1D. Last evaluated: 2023-04-11. Review status: criteria provided, single submitter. Criteria: ACMG Guidelines, 2015. Collection method: clinical testing. Allele origin: germline. Affected: no.

Genome-Nilou Lab
Classification: Benign for Cardiomyopathy, familial restrictive, 3. Last evaluated: 2023-04-11. Review status: criteria provided, single submitter. Criteria: ACMG Guidelines, 2015. Collection method: clinical testing. Allele origin: germline. Affected: no.

Genome-Nilou Lab
Classification: Benign for Hypertrophic cardiomyopathy 2. Last evaluated: 2023-04-11. Review status: criteria provided, single submitter. Criteria: ACMG Guidelines, 2015. Collection method: clinical testing. Allele origin: germline. Affected: no.

Cohesion Phenomics
Classification: Benign for Hypertrophic Cardiomyopathy. Last evaluated: 2022-10-10. Review status: criteria provided, single submitter. Criteria: ACMG Guidelines, 2015. Collection method: clinical testing. Allele origin: germline. Affected: yes.

GeneDx
Classification: Benign. Last evaluated: 2015-03-03. Review status: criteria provided, single submitter. Criteria: GeneDx Variant Classification Process June 2021. Collection method: clinical testing. Allele origin: germline. Affected: yes.

Ambry Genetics
Classification: Benign for Cardiovascular phenotype. Last evaluated: 2014-12-18. Review status: criteria provided, single submitter. Criteria: Ambry Variant Classification Scheme 2023. Collection method: clinical testing. Allele origin: germline.

Laboratory for Molecular Medicine, Mass General Brigham Personalized Medicine
Classification: Benign. Last evaluated: 2010-05-03. Review status: criteria provided, single submitter. Criteria: LMM Criteria. Collection method: clinical testing. Allele origin: germline. Observed: 41 variant alleles.
Comment: This variant is not expected to have clinical significance because it is not loc ated in the conserved region of the splicing consensus sequence and it is a comm on variant in the Black population.

PreventionGenetics, part of Exact Sciences
Classification: Benign. Review status: criteria provided, single submitter. Criteria: ACMG Guidelines, 2015. Collection method: clinical testing. Allele origin: germline.

Women's Health and Genetics/Laboratory Corporation of America, LabCorp
Classification: Benign for Hypertrophic Cardiomyopathy. Last evaluated: 2012-02-22. Review status: no assertion criteria provided. Collection method: clinical testing. Allele origin: germline. Not counted in ClinVar's aggregate classification.

Clinical Genetics DNA and cytogenetics Diagnostics Lab, Erasmus MC, Erasmus Medical Center
Classification: Benign. Review status: no assertion criteria provided. Collection method: clinical testing. Allele origin: germline. Affected: yes. Study: VKGL Data-share Consensus. Not counted in ClinVar's aggregate classification.

Clinical Genetics, Academic Medical Center
Classification: Benign. Review status: no assertion criteria provided. Collection method: clinical testing. Allele origin: germline. Affected: yes. Study: VKGL Data-share Consensus. Not counted in ClinVar's aggregate classification.

Diagnostic Laboratory, Department of Genetics, University Medical Center Groningen
Classification: Likely benign. Review status: no assertion criteria provided. Collection method: clinical testing. Allele origin: germline. Affected: yes. Study: VKGL Data-share Consensus. Not counted in ClinVar's aggregate classification.

Genome Diagnostics Laboratory, University Medical Center Utrecht
Classification: Likely benign. Review status: no assertion criteria provided. Collection method: clinical testing. Allele origin: germline. Affected: yes. Study: VKGL Data-share Consensus. Not counted in ClinVar's aggregate classification.

Joint Genome Diagnostic Labs from Nijmegen and Maastricht, Radboudumc and MUMC+
Classification: Benign. Review status: no assertion criteria provided. Collection method: clinical testing. Allele origin: germline. Affected: yes. Study: VKGL Data-share Consensus. Not counted in ClinVar's aggregate classification.

NM_001276345.2(TNNT2):c.294+7G>A

Gene: TNNT2 (troponin T2, cardiac type; minus strand). Cytogenetic location: 1q32.1.
Variant type: single nucleotide variant.
Coding change: c.294+7G>A on transcript NM_001276345.2 (MANE Select); 7 bases into the intron after coding-DNA position 294, G replaced by A.
Molecular consequence: intron variant.
Genome position (GRCh38, 1-based): chr1:201,365,603, C>T on the plus strand (G>A on the coding strand, the complement: TNNT2 is on the minus strand). VCF-style: chr1-201365603-C-T. GRCh37 (hg19) VCF-style: chr1-201334731-C-T.
Other names: p.?; c.249+7G>A (NM_001001432.3); c.264+7G>A (NM_001001431.3, NM_001001430.3, NM_001276347.2); c.291+7G>A (NM_001276346.2); c.294+7G>A (NM_000364.4).
Identifiers: ClinVar variation 36884 (VCV000036884.41), dbSNP rs45490292, ClinGen allele CA004242.